The following is an entry in ClinVar:

NM_001374736.1(DST):c.6C>T (p.Ile2=)

Gene: DST (dystonin; minus strand). Cytogenetic location: 6p12.1.
Variant type: single nucleotide variant.
Coding change: c.6C>T on transcript NM_001374736.1 (MANE Select); coding-DNA position 6, C replaced by T.
Protein change: p.Ile2=; no amino-acid change (isoleucine 2 retained).
Molecular consequence: synonymous variant.
Genome position (GRCh38, 1-based): chr6:56,954,582, G>A on the plus strand (C>T on the coding strand, the complement: DST is on the minus strand). VCF-style: chr6-56954582-G-A. GRCh37 (hg19) VCF-style: chr6-56819380-G-A.
Other names: c.6C>T, p.Ile2= (NM_001144769.5, NM_001374722.1, NM_001374734.1).
Identifiers: ClinVar variation 3051632 (VCV003051632.2), dbSNP rs555749699, ClinGen allele CA3872093.
Genomic context (GRCh38, chr6:56,954,582, plus strand): 5'-CAAGAGGAAGAGGGCACATTGGATGCTGTAGGGTCTCAGCAAGACGAGGAAAGCCGCGGC[G>A]ATCATGGTGCGGGCGAGGCGAGGGCGACTCGACGGCGGGGCTGGAGGGCGGCGGCACAGG-3'
Protein context (NP_001361665.1, residues 1-12): M[Ile2=]AAAFLVLLRP

ClinVar aggregate classification (germline): Likely benign (0 of 4 stars; one submission).

Conditions:
DST-related disorder. Also called: DST-related condition; DST-related disorders.

Allele frequency attached by ClinVar (database versions not stated): TOPMed 0.00002; gnomAD 0.00006; gnomAD exomes 0.00013; 1000 Genomes Project 30x 0.00016; 1000 Genomes Project 0.00020; ExAC 0.00023.
gnomAD v4.1: 173 of 1,357,778 alleles (0.013%); highest among the groups gnomAD compares: South Asian, 0.19%; 1 homozygote.

Submission:

PreventionGenetics, part of Exact Sciences
Classification: Likely benign for DST-related condition. Last evaluated: 2020-01-06. Review status: no assertion criteria provided. Collection method: clinical testing. Allele origin: germline.
Comment: This variant is classified as likely benign based on ACMG/AMP sequence variant interpretation guidelines (Richards et al. 2015 PMID: 25741868, with internal and published modifications).